The following is an entry in ClinVar:

ClinVar aggregate classification (germline): Uncertain significance. Review status: criteria provided, multiple submitters, no conflicts (2 of 4 stars). 3 submissions from 3 submitters: Uncertain significance (3). Last evaluated 2025-12-10.

Conditions:
Hereditary cancer-predisposing syndrome. Also called: Tumor predisposition; Hereditary neoplastic syndrome; Neoplastic Syndromes, Hereditary; Hereditary Cancer Syndrome. Identifiers: Orphanet 140162, MedGen C0027672, MeSH D009386, MONDO:0015356.
Microcephaly, normal intelligence and immunodeficiency (NBS). Also called: Nijmegen breakage syndrome; Microcephaly with normal intelligence immunodeficiency and lymphoreticular malignancies; Nonsyndromal microcephaly autosomal recessive with normal intelligence; Seemanova syndrome 2; IMMUNODEFICIENCY, MICROCEPHALY, AND CHROMOSOMAL INSTABILITY; SEEMANOVA SYNDROME II. Identifiers: Orphanet 647, MedGen C0398791, MONDO:0009623, OMIM 251260.

Allele frequency attached by ClinVar (database versions not stated): gnomAD exomes below 0.00001.

Submissions (3):

Ambry Genetics
Classification: Uncertain significance for Hereditary cancer-predisposing syndrome. Last evaluated: 2025-12-10. Review status: criteria provided, single submitter. Criteria: Ambry Variant Classification Scheme 2023. Collection method: clinical testing. Allele origin: germline.
Comment: The p.A372T variant (also known as c.1114G>A), located in coding exon 9 of the NBN gene, results from a G to A substitution at nucleotide position 1114. The alanine at codon 372 is replaced by threonine, an amino acid with similar properties. This amino acid position is well conserved in available vertebrate species. In addition, this alteration is predicted to be tolerated by in silico analysis. Since supporting evidence is limited at this time, the clinical significance of this alteration remains unclear.

Labcorp Genetics (formerly Invitae), Labcorp
Classification: Uncertain significance for Microcephaly, normal intelligence and immunodeficiency. Last evaluated: 2022-04-15. Review status: criteria provided, single submitter. Criteria: Invitae Variant Classification Sherloc (09022015). Collection method: clinical testing. Allele origin: germline.
Comment: This sequence change replaces alanine, which is neutral and non-polar, with threonine, which is neutral and polar, at codon 372 of the NBN protein (p.Ala372Thr). This variant is present in population databases (no rsID available, gnomAD 0.0009%). This variant has not been reported in the literature in individuals affected with NBN-related conditions. ClinVar contains an entry for this variant (Variation ID: 927696). Algorithms developed to predict the effect of missense changes on protein structure and function (SIFT, PolyPhen-2, Align-GVGD) all suggest that this variant is likely to be tolerated. In summary, the available evidence is currently insufficient to determine the role of this variant in disease. Therefore, it has been classified as a Variant of Uncertain Significance.

Genome-Nilou Lab
Classification: Uncertain significance for Microcephaly, normal intelligence and immunodeficiency. Last evaluated: 2021-11-07. Review status: criteria provided, single submitter. Criteria: ACMG Guidelines, 2015. Collection method: clinical testing. Allele origin: germline. Affected: no.

NM_002485.5(NBN):c.1114G>A (p.Ala372Thr)

Gene: NBN (nibrin; minus strand). Cytogenetic location: 8q21.3.
Variant type: single nucleotide variant.
Coding change: c.1114G>A on transcript NM_002485.5 (MANE Select); coding-DNA position 1114, G replaced by A.
Protein change: p.Ala372Thr; replaces alanine 372 with threonine.
Molecular consequence: missense variant.
Genome position (GRCh38, 1-based): chr8:89,958,735, C>T on the plus strand (G>A on the coding strand, the complement: NBN is on the minus strand). VCF-style: chr8-89958735-C-T. GRCh37 (hg19) VCF-style: chr8-90970963-C-T.
Other names: c.868G>A, p.Ala290Thr (NM_001024688.3); short protein forms A290T, A372T.
Identifiers: ClinVar variation 927696 (VCV000927696.18), dbSNP rs1377878017, ClinGen allele CA371656579.